The following is an entry in ClinVar:

NM_001371986.1(UNC80):c.299-13T>G

Gene: UNC80 (unc-80 subunit of NALCN channel complex; plus strand). Cytogenetic location: 2q34.
Variant type: single nucleotide variant.
Coding change: c.299-13T>G on transcript NM_001371986.1 (MANE Select); 13 bases into the intron before coding-DNA position 299, T replaced by G.
Molecular consequence: intron variant.
Genome position (GRCh38, 1-based): chr2:209,777,245, T>G. VCF-style: chr2-209777245-T-G. GRCh37 (hg19) VCF-style: chr2-210641969-T-G.
Other names: c.299-13T>G (NM_032504.2, NM_182587.4).
Identifiers: ClinVar variation 1427779 (VCV001427779.6), dbSNP rs2076919378, ClinGen allele CA2573135237.

ClinVar aggregate classification (germline): Uncertain significance (1 of 4 stars; one submission).

Submission:

Labcorp Genetics (formerly Invitae), Labcorp
Classification: Uncertain significance. Last evaluated: 2022-06-28. Review status: criteria provided, single submitter. Criteria: Invitae Variant Classification Sherloc (09022015). Collection method: clinical testing. Allele origin: germline.
Comment: In summary, the available evidence is currently insufficient to determine the role of this variant in disease. Therefore, it has been classified as a Variant of Uncertain Significance. Algorithms developed to predict the effect of sequence changes on RNA splicing suggest that this variant may disrupt the consensus splice site. This variant has not been reported in the literature in individuals affected with UNC80-related conditions. This variant is not present in population databases (gnomAD no frequency). This sequence change falls in intron 3 of the UNC80 gene. It does not directly change the encoded amino acid sequence of the UNC80 protein.